The following is an entry in ClinVar:

NM_001083619.3(GRIA2):c.23C>A (p.Ser8Tyr)

Gene: GRIA2 (glutamate ionotropic receptor AMPA type subunit 2; plus strand). Cytogenetic location: 4q32.1.
Variant type: single nucleotide variant.
Coding change: c.23C>A on transcript NM_001083619.3 (MANE Select); coding-DNA position 23, C replaced by A.
Protein change: p.Ser8Tyr; replaces serine 8 with tyrosine.
Molecular consequence: missense variant. On other transcripts: intron variant (3).
Genome position (GRCh38, 1-based): chr4:157,221,065, C>A. VCF-style: chr4-157221065-C-A. GRCh37 (hg19) VCF-style: chr4-158142217-C-A.
Other names: c.23C>A, p.Ser8Tyr (NM_000826.6); c.-53-602C>A (NM_001379000.3, NM_001379001.3); c.-54+340C>A (NM_001083620.3); short protein forms S8Y.
Identifiers: ClinVar variation 2446639 (VCV002446639.1), dbSNP rs2530253287, ClinGen allele CA358643009.

ClinVar aggregate classification (germline): Uncertain significance (1 of 4 stars; one submission).

gnomAD v4.1: 2 of 1,587,218 alleles (0.00013%); highest among the groups gnomAD compares: Non-Finnish European, 0.00017%; no homozygotes.

Submission:

GeneDx
Classification: Uncertain significance. Last evaluated: 2022-09-28. Review status: criteria provided, single submitter. Criteria: GeneDx Variant Classification Process June 2021. Collection method: clinical testing. Allele origin: germline. Affected: yes.
Comment: Not observed at significant frequency in large population cohorts (gnomAD); In silico analysis supports that this missense variant has a deleterious effect on protein structure/function; Has not been previously published as pathogenic or benign to our knowledge